The following is an entry in ClinVar:

NM_020208.4(SLC6A20):c.26C>G (p.Ala9Gly)

Gene: SLC6A20 (solute carrier family 6 member 20; minus strand). Cytogenetic location: 3p21.31.
Variant type: single nucleotide variant.
Coding change: c.26C>G on transcript NM_020208.4 (MANE Select); coding-DNA position 26, C replaced by G.
Protein change: p.Ala9Gly; replaces alanine 9 with glycine.
Molecular consequence: missense variant.
Genome position (GRCh38, 1-based): chr3:45,796,394, G>C on the plus strand (C>G on the coding strand, the complement: SLC6A20 is on the minus strand). VCF-style: chr3-45796394-G-C. GRCh37 (hg19) VCF-style: chr3-45837886-G-C.
Other names: c.26C>G, p.Ala9Gly (NM_022405.4); short protein forms A9G.
Identifiers: ClinVar variation 345428 (VCV000345428.10), dbSNP rs2271615, ClinGen allele CA2351789.
Genomic context (GRCh38, chr3:45,796,394, plus strand): 5'-CACACGTTGCCCAGGCCCACGGCGTACGAGATGCAGGCGAACACGAACTGTAGCGAGTTG[G>C]CCCACAGCGGCCGCGCTTTCTCCATGGCCCCGGCCTCGGCGCGCTCGGCTCCGGCTCGGG-3'
Protein context (NP_064593.1, residues 1-19): MEKARPLW[Ala9Gly]NSLQFVFACI

ClinVar aggregate classification (germline): Benign. Review status: criteria provided, multiple submitters, no conflicts (2 of 4 stars). 4 submissions from 4 submitters: Benign (3). 1 of the submissions does not count toward it. Last evaluated 2021-05-04.

Conditions:
SLC6A20-related disorder. Also called: SLC6A20-related condition.
Hyperglycinuria. Also called: GLYCINURIA WITH OR WITHOUT OXALATE NEPHROLITHIASIS; GLYCINURIA WITH OR WITHOUT OXALATE UROLITHIASIS; IMINOGLYCINURIA TYPE II. Identifiers: MedGen C0543541, MONDO:0007677, OMIM 138500, HP:0003108.

Allele frequency attached by ClinVar (database versions not stated): 1000 Genomes Project 0.08846; 1000 Genomes Project 30x 0.08869; gnomAD 0.10332 and 0.10561; TOPMed 0.10538; ESP Exome Variant Server 0.11156; gnomAD exomes 0.11970; ExAC 0.12786.
gnomAD v4.1: 223,011 of 1,611,894 alleles (14%); highest among the groups gnomAD compares: Middle Eastern, 24%; 16,697 homozygotes.

Submissions (4):

GeneDx
Classification: Benign. Last evaluated: 2021-05-04. Review status: criteria provided, single submitter. Criteria: GeneDx Variant Classification Process June 2021. Collection method: clinical testing. Allele origin: germline. Affected: yes.

Illumina Laboratory Services, Illumina
Classification: Benign for Hyperglycinuria. Last evaluated: 2018-01-13. Review status: criteria provided, single submitter. Criteria: ICSL Variant Classification Criteria 13 December 2019. Collection method: clinical testing. Allele origin: germline.
Comment: This variant was observed in the ICSL laboratory as part of a predisposition screen in an ostensibly healthy population. It had not been previously curated by ICSL or reported in the Human Gene Mutation Database (HGMD: prior to June 1st, 2018), and was therefore a candidate for classification through an automated scoring system. Utilizing variant allele frequency, disease prevalence and penetrance estimates, and inheritance mode, an automated score was calculated to assess if this variant is too frequent to cause the disease. Based on the score and internal cut-off values, a variant classified as benign is not then subjected to further curation. The score for this variant resulted in a classification of benign for this disease.

Breakthrough Genomics
Classification: Benign. Review status: criteria provided, single submitter. Criteria: ACMG Guidelines, 2015. Collection method: not provided. Allele origin: germline. Inheritance: Autosomal recessive inheritance. Affected: yes.

PreventionGenetics, part of Exact Sciences
Classification: Benign for SLC6A20-related condition. Last evaluated: 2019-10-21. Review status: no assertion criteria provided. Collection method: clinical testing. Allele origin: germline. Not counted in ClinVar's aggregate classification.
Comment: This variant is classified as benign based on ACMG/AMP sequence variant interpretation guidelines (Richards et al. 2015 PMID: 25741868, with internal and published modifications).